The following is an entry in ClinVar:

ClinVar aggregate classification (germline): Conflicting classifications of pathogenicity. Review status: criteria provided, conflicting classifications (1 of 4 stars). 3 submissions from 3 submitters: Uncertain significance (2); Likely benign (1). Last evaluated 2025-12-15.

Conditions:
Hereditary breast ovarian cancer syndrome. Also called: BRCA1- and BRCA2-Associated Hereditary Breast and Ovarian Cancer; Hereditary breast and/or ovarian cancer syndrome; Hereditary breast and ovarian cancer syndrome; Hereditary breast and ovarian cancer; Breast and ovarian cancer; Hereditary breast and ovarian cancer syndrome (HBOC). Identifiers: Orphanet 145, MedGen C0677776, MeSH D061325, MONDO:0003582. Disease mechanism: loss of function.
Hereditary cancer-predisposing syndrome. Also called: Tumor predisposition; Hereditary neoplastic syndrome; Hereditary Cancer Syndrome; Neoplastic Syndromes, Hereditary. Identifiers: Orphanet 140162, MedGen C0027672, MeSH D009386, MONDO:0015356.
BRCA2-related cancer predisposition. Identifiers: MedGen CN377758, MONDO:0700269.

Submissions (3):

Labcorp Genetics (formerly Invitae), Labcorp
Classification: Uncertain significance for Hereditary breast ovarian cancer syndrome. Last evaluated: 2025-12-15. Review status: criteria provided, single submitter. Criteria: Invitae Variant Classification Sherloc (09022015). Collection method: clinical testing. Allele origin: germline.
Comment: This sequence change replaces aspartic acid, which is acidic and polar, with glutamic acid, which is acidic and polar, at codon 2023 of the BRCA2 protein (p.Asp2023Glu). This variant is not present in population databases (gnomAD no frequency). This variant has not been reported in the literature in individuals affected with BRCA2-related conditions. ClinVar contains an entry for this variant (Variation ID: 938147). Invitae Evidence Modeling of protein sequence and biophysical properties (such as structural, functional, and spatial information, amino acid conservation, physicochemical variation, residue mobility, and thermodynamic stability) indicates that this missense variant is not expected to disrupt BRCA2 protein function with a negative predictive value of 95%. In summary, the available evidence is currently insufficient to determine the role of this variant in disease. Therefore, it has been classified as a Variant of Uncertain Significance.

All of Us Research Program, National Institutes of Health
Classification: Uncertain significance for BRCA2-related cancer predisposition. Last evaluated: 2024-05-14. Review status: criteria provided, single submitter. Criteria: ACMG Guidelines, 2015. Collection method: clinical testing. Allele origin: germline. Inheritance: Autosomal dominant inheritance. Observed: 1 variant allele, 1 heterozygote.
Comment: This missense variant replaces aspartic acid with glutamic acid at codon 2023 of the BRCA2 protein. Computational prediction suggests that this variant may not impact protein structure and function (internally defined REVEL score threshold <= 0.5, PMID: 27666373). To our knowledge, functional studies have not been reported for this variant. This variant has not been reported in individuals affected with hereditary cancer in the literature. This variant has not been identified in the general population by the Genome Aggregation Database (gnomAD). The available evidence is insufficient to determine the role of this variant in disease conclusively. Therefore, this variant is classified as a Variant of Uncertain Significance.

This study involves interpretation of variants in research participants for the purpose of population health screening. Participant phenotype was not available at the time of variant classification. Additional details can be found in publication PMID: 35346344, PMCID: PMC8962531

University of Washington Department of Laboratory Medicine, University of Washington
Classification: Likely benign for Hereditary cancer-predisposing syndrome. Last evaluated: 2023-03-23. Review status: criteria provided, single submitter. Criteria: Dines et al. (Genet Med. 2020). Collection method: curation. Allele origin: germline.
Comment: Missense variant in a coldspot region where missense variants are very unlikely to be pathogenic (PMID:31911673).

BRCA2 exon 11 coldspot. Reclassification based on statistical prior probability.

NM_000059.4(BRCA2):c.6069C>G (p.Asp2023Glu)

Gene: BRCA2 (BRCA2 DNA repair associated; plus strand). Cytogenetic location: 13q13.1.
Variant type: single nucleotide variant.
Coding change: c.6069C>G on transcript NM_000059.4 (MANE Select); coding-DNA position 6069, C replaced by G.
Protein change: p.Asp2023Glu; replaces aspartic acid 2023 with glutamic acid.
Molecular consequence: missense variant.
Genome position (GRCh38, 1-based): chr13:32,340,424, C>G. VCF-style: chr13-32340424-C-G. GRCh37 (hg19) VCF-style: chr13-32914561-C-G.
Other names: short protein forms D2023E.
Identifiers: ClinVar variation 938147 (VCV000938147.12), dbSNP rs2072545456, ClinGen allele CA387787962.